The following is an entry in ClinVar:

ClinVar aggregate classification (germline): Pathogenic (1 of 4 stars; one submission).

Submission:

Labcorp Genetics (formerly Invitae), Labcorp
Classification: Pathogenic. Last evaluated: 2025-12-27. Review status: criteria provided, single submitter. Criteria: Invitae Variant Classification Sherloc (09022015). Collection method: clinical testing. Allele origin: germline.
Comment: This sequence change creates a premature translational stop signal (p.Ser703Leufs*140) in the TONSL gene. It is expected to result in an absent or disrupted protein product. Loss-of-function variants in TONSL are known to be pathogenic (PMID: 30773277). This variant is not present in population databases (gnomAD no frequency). This variant has not been reported in the literature in individuals affected with TONSL-related conditions. For these reasons, this variant has been classified as Pathogenic.

Literature cited by the submitters: PubMed 30773277.

NM_013432.5(TONSL):c.2106del (p.Ser703fs)

Genes: TONSL (tonsoku like, DNA repair protein; minus strand), TONSL-AS1 (TONSL antisense RNA 1; plus strand). Cytogenetic location: 8q24.3.
Variant type: Deletion.
Coding change: c.2106del on transcript NM_013432.5 (MANE Select); coding-DNA position 2106, one base deleted (C; older notation c.2106delC).
Protein change: p.Ser703fs; shifts the reading frame from serine 703.
Molecular consequence: frameshift variant.
Genome position (GRCh38, 1-based): chr8:144,436,327, G deleted on the plus strand (C on the coding strand, the reverse complement: TONSL is on the minus strand); the first of 6 consecutive G bases (chr8:144,436,327-144,436,332); deleting any one gives the same sequence. VCF-style (leftmost placement, unchanged base first): chr8-144436326-AG-A. GRCh37 (hg19) VCF-style: chr8-145661709-AG-A.
Other names: short protein forms S703fs.
Identifiers: ClinVar variation 4731650 (VCV004731650.1).